The following is an entry in ClinVar:

ClinVar aggregate classification (germline): Benign/Likely benign. Review status: criteria provided, multiple submitters, no conflicts (2 of 4 stars). 2 submissions from 2 submitters: Benign (1); Likely benign (1). Last evaluated 2025-01-23.

Conditions:
Lynch syndrome 4 (LYNCH4). Also called: Colorectal cancer, hereditary nonpolyposis, type 4; Hereditary non-polyposis colorectal cancer, type 4. Identifiers: Orphanet 144, MedGen C1838333, MONDO:0013699, OMIM 614337. Disease mechanism: loss of function.
Hereditary nonpolyposis colorectal neoplasms. Identifiers: MedGen C0009405, MeSH D003123.

Submissions (2):

Myriad Genetics, Inc.
Classification: Benign for Lynch syndrome 4. Last evaluated: 2025-01-23. Review status: criteria provided, single submitter. Criteria: Myriad Autosomal Dominant, Autosomal Recessive and X-Linked Classification Criteria (2023). Collection method: clinical testing. Allele origin: unknown.
Comment: This variant is considered benign. This variant is a silent/synonymous amino acid change and it is not expected to impact splicing.

Labcorp Genetics (formerly Invitae), Labcorp
Classification: Likely benign for Hereditary nonpolyposis colorectal neoplasms. Last evaluated: 2019-11-21. Review status: criteria provided, single submitter. Criteria: Invitae Variant Classification Sherloc (09022015). Collection method: clinical testing. Allele origin: germline.

NM_000535.7(PMS2):c.123G>A (p.Glu41=)

Gene: PMS2 (PMS1 homolog 2, mismatch repair system component; minus strand). Cytogenetic location: 7p22.1.
Variant type: single nucleotide variant.
Coding change: c.123G>A on transcript NM_000535.7 (MANE Select); coding-DNA position 123, G replaced by A.
Protein change: p.Glu41=; no amino-acid change (glutamic acid 41 retained).
Molecular consequence: synonymous variant. On other transcripts: 5 prime UTR variant (8), non-coding transcript variant (1), intron variant (3).
Genome position (GRCh38, 1-based): chr7:6,005,932, C>T on the plus strand (G>A on the coding strand, the complement: PMS2 is on the minus strand). VCF-style: chr7-6005932-C-T. GRCh37 (hg19) VCF-style: chr7-6045563-C-T.
Other names: c.-283G>A (NM_001322003.2, NM_001322005.2, NM_001322009.2 and 1 more transcripts); c.123G>A, p.Glu41= (NM_001322006.2, NM_001322014.2); c.-93G>A (NM_001322007.2); c.-762G>A (NM_001322011.2, NM_001322012.2); c.-362G>A (NM_001322015.2); c.-52-1874G>A (NM_001322008.2); c.-242-1874G>A (NM_001322010.2, NM_001322004.2).
Identifiers: ClinVar variation 753466 (VCV000753466.11), dbSNP rs1583418794, ClinGen allele CA453650105.